The following is an entry in ClinVar:

NM_012388.4(BLOC1S6):c.313-3A>T

Gene: BLOC1S6 (biogenesis of lysosomal organelles complex 1 subunit 6; plus strand). Cytogenetic location: 15q21.1.
Variant type: single nucleotide variant.
Coding change: c.313-3A>T on transcript NM_012388.4 (MANE Select); 3 bases into the intron before coding-DNA position 313, A replaced by T.
Molecular consequence: intron variant.
Genome position (GRCh38, 1-based): chr15:45,605,425, A>T. VCF-style: chr15-45605425-A-T. GRCh37 (hg19) VCF-style: chr15-45897623-A-T.
Other names: c.328-3A>T (NM_001311255.1); c.240-3A>T (NM_001311256.1).
Identifiers: ClinVar variation 1018229 (VCV001018229.6), dbSNP rs1366252583, ClinGen allele CA617742326.

ClinVar aggregate classification (germline): Uncertain significance (1 of 4 stars; one submission).

Conditions:
Hermansky-Pudlak syndrome 9 (HPS9). Identifiers: Orphanet 280663, Orphanet 79430, MedGen C3280026, MONDO:0013606, OMIM 614171.

Allele frequency attached by ClinVar (database versions not stated): gnomAD exomes below 0.00001 and 0.00001.

Submission:

Labcorp Genetics (formerly Invitae), Labcorp
Classification: Uncertain significance for Hermansky-Pudlak syndrome 9. Last evaluated: 2022-07-06. Review status: criteria provided, single submitter. Criteria: Invitae Variant Classification Sherloc (09022015). Collection method: clinical testing. Allele origin: germline.
Comment: This sequence change falls in intron 3 of the BLOC1S6 gene. It does not directly change the encoded amino acid sequence of the BLOC1S6 protein. It affects a nucleotide within the consensus splice site. This variant is present in population databases (no rsID available, gnomAD 0.003%). This variant has not been reported in the literature in individuals affected with BLOC1S6-related conditions. ClinVar contains an entry for this variant (Variation ID: 1018229). Variants that disrupt the consensus splice site are a relatively common cause of aberrant splicing (PMID: 17576681, 9536098). Algorithms developed to predict the effect of sequence changes on RNA splicing suggest that this variant is not likely to affect RNA splicing. In summary, the available evidence is currently insufficient to determine the role of this variant in disease. Therefore, it has been classified as a Variant of Uncertain Significance.

Literature cited by the submitters: PubMed 17576681; PubMed 9536098.